The following is an entry in ClinVar:

ClinVar aggregate classification (germline): Likely benign. Review status: criteria provided, single submitter (1 of 4 stars). 2 submissions from 2 submitters: Likely benign (1). 1 of the submissions does not count toward it. Last evaluated 2022-07-27.

Conditions:
COL4A1-related disorder. Also called: COL4A1-related disorders; COL4A1-related condition. Identifiers: MedGen CN376119, MONDO:0800461.

Allele frequency attached by ClinVar (database versions not stated): TOPMed 0.00001; ExAC 0.00002; gnomAD 0.00002.
gnomAD v4.1: 9 of 1,613,840 alleles (0.00056%); highest among the groups gnomAD compares: Non-Finnish European, 0.00076%; no homozygotes.

Submissions (2):

Labcorp Genetics (formerly Invitae), Labcorp
Classification: Likely benign. Last evaluated: 2022-07-27. Review status: criteria provided, single submitter. Criteria: Invitae Variant Classification Sherloc (09022015). Collection method: clinical testing. Allele origin: germline.

PreventionGenetics, part of Exact Sciences
Classification: Likely benign for COL4A1-related condition. Last evaluated: 2019-03-28. Review status: no assertion criteria provided. Collection method: clinical testing. Allele origin: germline. Not counted in ClinVar's aggregate classification.
Comment: This variant is classified as likely benign based on ACMG/AMP sequence variant interpretation guidelines (Richards et al. 2015 PMID: 25741868, with internal and published modifications).

NM_001845.6(COL4A1):c.495T>C (p.His165=)

Gene: COL4A1 (collagen type IV alpha 1 chain; minus strand). Cytogenetic location: 13q34.
Variant type: single nucleotide variant.
Coding change: c.495T>C on transcript NM_001845.6 (MANE Select); coding-DNA position 495, T replaced by C.
Protein change: p.His165=; no amino-acid change (histidine 165 retained).
Molecular consequence: synonymous variant.
Genome position (GRCh38, 1-based): chr13:110,210,186, A>G on the plus strand (T>C on the coding strand, the complement: COL4A1 is on the minus strand). VCF-style: chr13-110210186-A-G. GRCh37 (hg19) VCF-style: chr13-110862533-A-G.
Other names: c.495T>C (NM_001845.5); c.495T>C, p.His165= (NM_001303110.2).
Identifiers: ClinVar variation 2199543 (VCV002199543.6), dbSNP rs762125888, ClinGen allele CA7048476.